The following is an entry in ClinVar:

ClinVar aggregate classification (germline): Pathogenic (1 of 4 stars; one submission).

Conditions:
Hereditary cancer-predisposing syndrome. Also called: Neoplastic Syndromes, Hereditary; Hereditary Cancer Syndrome; Tumor predisposition; Hereditary neoplastic syndrome. Identifiers: Orphanet 140162, MedGen C0027672, MeSH D009386, MONDO:0015356.

Submission:

Ambry Genetics
Classification: Pathogenic for Hereditary cancer-predisposing syndrome. Last evaluated: 2016-11-14. Review status: criteria provided, single submitter. Criteria: Ambry Variant Classification Scheme 2023. Collection method: clinical testing. Allele origin: germline.
Comment: The c.8328_8329delTG pathogenic mutation, located in coding exon 56 of the ATM gene, results from a deletion of two nucleotides at nucleotide positions 8328 to 8329, causing a translational frameshift with a predicted alternate stop codon (p.I2776Mfs*2). This alteration is expected to result in loss of function by premature protein truncation or nonsense-mediated mRNA decay. As such, this alteration is interpreted as a disease-causing mutation.

NM_000051.4(ATM):c.8328_8329del (p.Ile2776fs)

Genes: C11orf65 (chromosome 11 open reading frame 65; minus strand), ATM (ATM serine/threonine kinase; plus strand). Cytogenetic location: 11q22.3.
Variant type: Deletion.
Coding change: c.8328_8329del on transcript NM_000051.4 (MANE Select); coding-DNA positions 8328 to 8329, 2 bases deleted (TG; older notation c.8328_8329delTG).
Protein change: p.Ile2776fs; shifts the reading frame from isoleucine 2776.
Molecular consequence: frameshift variant. On other transcripts: intron variant (2).
Genome position (GRCh38, 1-based): chr11:108,343,281-108,343,282, TG deleted. VCF-style (leftmost placement, unchanged base first): chr11-108343280-TTG-T. GRCh37 (hg19) VCF-style: chr11-108214007-TTG-T.
Other names: c.695-7990_695-7989del (NM_001351110.2); c.8328_8329del, p.Ile2776fs (NM_001351834.2); c.641-34211_641-34210del (NM_001330368.2); short protein forms I2776fs.
Identifiers: ClinVar variation 481302 (VCV000481302.7), dbSNP rs1555135633, ClinGen allele CA658656242.